The following is an entry in ClinVar:

ClinVar aggregate classification (germline): Uncertain significance (1 of 4 stars; one submission).

Submission:

Labcorp Genetics (formerly Invitae), Labcorp
Classification: Uncertain significance. Last evaluated: 2022-07-11. Review status: criteria provided, single submitter. Criteria: Invitae Variant Classification Sherloc (09022015). Collection method: clinical testing. Allele origin: germline.
Comment: In summary, the available evidence is currently insufficient to determine the role of this variant in disease. Therefore, it has been classified as a Variant of Uncertain Significance. Advanced modeling of protein sequence and biophysical properties (such as structural, functional, and spatial information, amino acid conservation, physicochemical variation, residue mobility, and thermodynamic stability) performed at Invitae indicates that this missense variant is not expected to disrupt COL27A1 protein function. This variant has not been reported in the literature in individuals affected with COL27A1-related conditions. This variant is not present in population databases (gnomAD no frequency). This sequence change replaces lysine, which is basic and polar, with arginine, which is basic and polar, at codon 463 of the COL27A1 protein (p.Lys463Arg).

NM_032888.4(COL27A1):c.1388A>G (p.Lys463Arg)

Gene: COL27A1 (collagen type XXVII alpha 1 chain; plus strand). Cytogenetic location: 9q32.
Variant type: single nucleotide variant.
Coding change: c.1388A>G on transcript NM_032888.4 (MANE Select); coding-DNA position 1388, A replaced by G.
Protein change: p.Lys463Arg; replaces lysine 463 with arginine.
Molecular consequence: missense variant.
Genome position (GRCh38, 1-based): chr9:114,168,943, A>G. VCF-style: chr9-114168943-A-G. GRCh37 (hg19) VCF-style: chr9-116931223-A-G.
Other names: short protein forms K463R.
Identifiers: ClinVar variation 2016120 (VCV002016120.4), dbSNP rs2490571440, ClinGen allele CA374594317.